The following is an entry in ClinVar:

ClinVar aggregate classification (germline): Benign. Review status: criteria provided, multiple submitters, no conflicts (2 of 4 stars). 2 submissions from 2 submitters: Benign (2). Last evaluated 2018-01-12.

Conditions:
Congenital myasthenic syndrome 5. Identifiers: Orphanet 590, MedGen C1864233, MONDO:0011281, OMIM 603034.

Allele frequency attached by ClinVar (database versions not stated): gnomAD exomes 0.03173; 1000 Genomes Project 0.06170; gnomAD 0.06530 and 0.06822; 1000 Genomes Project 30x 0.06590; TOPMed 0.07179.
gnomAD v4.1: 10,279 of 164,430 alleles (6.3%); highest among the groups gnomAD compares: African/African-American, 15%; 577 homozygotes.

Submissions (2):

Illumina Laboratory Services, Illumina
Classification: Benign for Congenital myasthenic syndrome 5. Last evaluated: 2018-01-12. Review status: criteria provided, single submitter. Criteria: ICSL Variant Classification Criteria 13 December 2019. Collection method: clinical testing. Allele origin: germline.
Comment: This variant was observed in the ICSL laboratory as part of a predisposition screen in an ostensibly healthy population. It had not been previously curated by ICSL or reported in the Human Gene Mutation Database (HGMD: prior to June 1st, 2018), and was therefore a candidate for classification through an automated scoring system. Utilizing variant allele frequency, disease prevalence and penetrance estimates, and inheritance mode, an automated score was calculated to assess if this variant is too frequent to cause the disease. Based on the score and internal cut-off values, a variant classified as benign is not then subjected to further curation. The score for this variant resulted in a classification of benign for this disease.

Breakthrough Genomics
Classification: Benign. Review status: criteria provided, single submitter. Criteria: ACMG Guidelines, 2015. Collection method: not provided. Allele origin: germline. Inheritance: Autosomal recessive inheritance. Affected: yes.

NM_005677.4(COLQ):c.*515C>T

Gene: COLQ (collagen like tail subunit of asymmetric acetylcholinesterase; minus strand). Cytogenetic location: 3p25.1.
Variant type: single nucleotide variant.
Coding change: c.*515C>T on transcript NM_005677.4 (MANE Select); 515 bases downstream of the stop codon, C replaced by T.
Molecular consequence: 3 prime UTR variant.
Genome position (GRCh38, 1-based): chr3:15,451,129, G>A on the plus strand (C>T on the coding strand, the complement: COLQ is on the minus strand). VCF-style: chr3-15451129-G-A. GRCh37 (hg19) VCF-style: chr3-15492636-G-A.
Other names: c.*515C>T (NM_080538.2, NM_080539.4).
Identifiers: ClinVar variation 343835 (VCV000343835.6), dbSNP rs10154896, ClinGen allele CA10615092.